The following is an entry in ClinVar:

NM_206965.2(FTCD):c.266A>G (p.Asp89Gly)

Gene: FTCD (formimidoyltransferase cyclodeaminase; minus strand). Cytogenetic location: 21q22.3.
Variant type: single nucleotide variant.
Coding change: c.266A>G on transcript NM_206965.2 (MANE Select); coding-DNA position 266, A replaced by G.
Protein change: p.Asp89Gly; replaces aspartic acid 89 with glycine.
Molecular consequence: missense variant.
Genome position (GRCh38, 1-based): chr21:46,153,008, T>C on the plus strand (A>G on the coding strand, the complement: FTCD is on the minus strand). VCF-style: chr21-46153008-T-C. GRCh37 (hg19) VCF-style: chr21-47572922-T-C.
Other names: c.266A>G, p.Asp89Gly (NM_001320412.2, NM_006657.3); short protein forms D89G.
Identifiers: ClinVar variation 2737009 (VCV002737009.3), dbSNP rs896845617, ClinGen allele CA321967928.

ClinVar aggregate classification (germline): Uncertain significance (1 of 4 stars; one submission).

Conditions:
Glutamate formiminotransferase deficiency. Also called: Arakawa syndrome 1; Formiminoglutamic aciduria. Identifiers: Orphanet 51208, MedGen C0268609, MONDO:0009240, OMIM 229100.

Allele frequency attached by ClinVar (database versions not stated): gnomAD exomes 0.00001.
gnomAD v4.1: 9 of 1,550,054 alleles (0.00058%); highest among the groups gnomAD compares: East Asian, 0.0024%; no homozygotes.

Submission:

Labcorp Genetics (formerly Invitae), Labcorp
Classification: Uncertain significance for Glutamate formiminotransferase deficiency. Last evaluated: 2023-12-02. Review status: criteria provided, single submitter. Criteria: Invitae Variant Classification Sherloc (09022015). Collection method: clinical testing. Allele origin: germline.
Comment: This sequence change replaces aspartic acid, which is acidic and polar, with glycine, which is neutral and non-polar, at codon 89 of the FTCD protein (p.Asp89Gly). This variant is present in population databases (no rsID available, gnomAD 0.009%). This missense change has been observed in individual(s) with glutamate formiminotransferase deficiency (PMID: 29178637). Advanced modeling of protein sequence and biophysical properties (such as structural, functional, and spatial information, amino acid conservation, physicochemical variation, residue mobility, and thermodynamic stability) performed at Invitae indicates that this missense variant is expected to disrupt FTCD protein function with a positive predictive value of 80%. In summary, the available evidence is currently insufficient to determine the role of this variant in disease. Therefore, it has been classified as a Variant of Uncertain Significance.

Literature cited by the submitters: PubMed 29178637.